The following is an entry in ClinVar:

NM_013382.7(POMT2):c.438+288G>C

Gene: POMT2 (protein O-mannosyltransferase 2; minus strand). Cytogenetic location: 14q24.3.
Variant type: single nucleotide variant.
Coding change: c.438+288G>C on transcript NM_013382.7 (MANE Select); 288 bases into the intron after coding-DNA position 438, G replaced by C.
Molecular consequence: intron variant.
Genome position (GRCh38, 1-based): chr14:77,306,049, C>G on the plus strand (G>C on the coding strand, the complement: POMT2 is on the minus strand). VCF-style: chr14-77306049-C-G. GRCh37 (hg19) VCF-style: chr14-77772392-C-G.
Identifiers: ClinVar variation 668933 (VCV000668933.1), dbSNP rs12433986, ClinGen allele CA14062774.

ClinVar aggregate classification (germline): Likely benign (1 of 4 stars; one submission).

Allele frequency attached by ClinVar (database versions not stated): 1000 Genomes Project 30x 0.01483; TOPMed 0.02424; gnomAD 0.02707; 1000 Genomes Project 0.01418.
gnomAD v4.1: 4,029 of 152,322 alleles (2.6%); highest among the groups gnomAD compares: Non-Finnish European, 3.8%; 71 homozygotes.

Submission:

GeneDx
Classification: Likely benign. Last evaluated: 2018-06-19. Review status: criteria provided, single submitter. Criteria: GeneDx Variant Classification (06012015). Collection method: clinical testing. Allele origin: germline. Affected: yes.
Comment: This variant is considered likely benign or benign based on one or more of the following criteria: it is a conservative change, it occurs at a poorly conserved position in the protein, it is predicted to be benign by multiple in silico algorithms, and/or has population frequency not consistent with disease.